The following is an entry in ClinVar:

ClinVar aggregate classification (germline): Uncertain significance. Review status: criteria provided, multiple submitters, no conflicts (2 of 4 stars). 2 submissions from 2 submitters: Uncertain significance (2). Last evaluated 2025-07-09.

Submissions (2):

Labcorp Genetics (formerly Invitae), Labcorp
Classification: Uncertain significance. Last evaluated: 2025-07-09. Review status: criteria provided, single submitter. Criteria: Invitae Variant Classification Sherloc (09022015). Collection method: clinical testing. Allele origin: germline.
Comment: This sequence change replaces methionine, which is neutral and non-polar, with threonine, which is neutral and polar, at codon 95 of the FUK protein (p.Met95Thr). This variant is present in population databases (rs373616691, gnomAD 0.01%). This variant has not been reported in the literature in individuals affected with FUK-related conditions. ClinVar contains an entry for this variant (Variation ID: 3849859). An algorithm developed to predict the effect of missense changes on protein structure and function outputs the following: PolyPhen-2: "Benign". The threonine amino acid residue is found in multiple mammalian species, which suggests that this missense change does not adversely affect protein function. In summary, the available evidence is currently insufficient to determine the role of this variant in disease. Therefore, it has been classified as a Variant of Uncertain Significance.

Ambry Genetics
Classification: Uncertain significance. Last evaluated: 2025-01-08. Review status: criteria provided, single submitter. Criteria: Ambry Variant Classification Scheme 2023. Collection method: clinical testing. Allele origin: germline.

NM_145059.3(FCSK):c.284T>C (p.Met95Thr)

Gene: FCSK (fucose kinase; plus strand). Cytogenetic location: 16q22.1.
Variant type: single nucleotide variant.
Coding change: c.284T>C on transcript NM_145059.3 (MANE Select); coding-DNA position 284, T replaced by C.
Protein change: p.Met95Thr; replaces methionine 95 with threonine.
Molecular consequence: missense variant.
Genome position (GRCh38, 1-based): chr16:70,465,175, T>C. VCF-style: chr16-70465175-T-C. GRCh37 (hg19) VCF-style: chr16-70499078-T-C.
Other names: short protein forms M95T.
Identifiers: ClinVar variation 3849859 (VCV003849859.2).